The following is an entry in ClinVar:

NM_003128.3(SPTBN1):c.613G>A (p.Gly205Ser)

Gene: SPTBN1 (spectrin beta, non-erythrocytic 1; plus strand). Cytogenetic location: 2p16.2.
Variant type: single nucleotide variant.
Coding change: c.613G>A on transcript NM_003128.3 (MANE Select); coding-DNA position 613, G replaced by A.
Protein change: p.Gly205Ser; replaces glycine 205 with serine.
Molecular consequence: missense variant.
Genome position (GRCh38, 1-based): chr2:54,617,654, G>A. VCF-style: chr2-54617654-G-A. GRCh37 (hg19) VCF-style: chr2-54844791-G-A.
Other names: c.574G>A, p.Gly192Ser (NM_178313.3); short protein forms G205S, G192S.
Identifiers: ClinVar variation 636237 (VCV000636237.3), dbSNP rs1572690133, ClinGen allele CA346862402.

ClinVar aggregate classification (germline): Uncertain significance (1 of 4 stars; one submission).

Conditions:
SPTBN1-related neurodevelopmental disease. Also called: SPTBN1-related neurodevelopmental disorder.

Submission:

Undiagnosed Diseases Network, NIH
Classification: Uncertain significance for SPTBN1-related neurodevelopmental disease. Last evaluated: 2019-02-06. Review status: criteria provided, single submitter. Criteria: ACMG Guidelines, 2015. Collection method: clinical testing. Allele origin: de novo. Inheritance: Autosomal dominant inheritance. Affected: yes. Observed: 1 variant allele, 1 heterozygote.
Comment: We have identified several patients with neurodevelopmental disorders and de novo variants in SPTBN1.